The following is an entry in ClinVar:

ClinVar aggregate classification (germline): Pathogenic (1 of 4 stars; one submission).

Conditions:
Primary ciliary dyskinesia. Also called: Ciliary dyskinesia. Identifiers: Orphanet 244, MedGen C0008780, MONDO:0016575, HP:0012265.

Submission:

Labcorp Genetics (formerly Invitae), Labcorp
Classification: Pathogenic for Primary ciliary dyskinesia. Last evaluated: 2024-03-05. Review status: criteria provided, single submitter. Criteria: Invitae Variant Classification Sherloc (09022015). Collection method: clinical testing. Allele origin: germline.
Comment: This sequence change creates a premature translational stop signal (p.Arg312Glyfs*13) in the DNAAF1 gene. It is expected to result in an absent or disrupted protein product. Loss-of-function variants in DNAAF1 are known to be pathogenic (PMID: 19944400, 19944405). This variant is present in population databases (no rsID available, gnomAD 0.006%). This variant has not been reported in the literature in individuals affected with DNAAF1-related conditions. ClinVar contains an entry for this variant (Variation ID: 525219). For these reasons, this variant has been classified as Pathogenic.

Literature cited by the submitters: PubMed 19944400; PubMed 19944405.

NM_178452.6(DNAAF1):c.934_940del (p.Arg312fs)

Gene: DNAAF1 (dynein axonemal assembly factor 1; plus strand). Cytogenetic location: 16q24.1.
Variant type: Deletion.
Coding change: c.934_940del on transcript NM_178452.6 (MANE Select); coding-DNA positions 934 to 940, 7 bases deleted (AGGGAGC; older notation c.934_940delAGGGAGC).
Protein change: p.Arg312fs; shifts the reading frame from arginine 312.
Molecular consequence: frameshift variant.
Genome position (GRCh38, 1-based): chr16:84,165,853-84,165,859, AGGGAGC deleted; deleting any 7 consecutive bases within chr16:84,165,849-84,165,859 gives the same sequence; the c. name uses the placement nearest the transcript's 3' end. VCF-style (leftmost placement, unchanged base first): chr16-84165848-AGAGCAGG-A. GRCh37 (hg19) VCF-style: chr16-84199454-AGAGCAGG-A.
Other names: c.178_184del, p.Arg60fs (NM_001318756.1); short protein forms R60fs, R312fs.
Identifiers: ClinVar variation 525219 (VCV000525219.7), dbSNP rs1233603821, ClinGen allele CA623849979.